The following is an entry in ClinVar:

ClinVar aggregate classification (germline): Uncertain significance (1 of 4 stars; one submission).

Conditions:
Congenital myasthenic syndrome 10. Also called: Myasthenia, limb-girdle, familial. Identifiers: Orphanet 590, MedGen C1850792, MONDO:0009690, OMIM 254300.
Fetal akinesia deformation sequence 1 (FADS1). Also called: Fetal akinesia sequence; Pena-Shokeir syndrome type I. Identifiers: Orphanet 994, MedGen C1276035, MONDO:0100101, OMIM 208150, HP:0001989.

gnomAD v4.1: 2 of 1,607,012 alleles (0.00012%); highest among the groups gnomAD compares: Admixed American, 0.0017%; no homozygotes.

Submission:

Labcorp Genetics (formerly Invitae), Labcorp
Classification: Uncertain significance for Congenital myasthenic syndrome 10; Fetal akinesia deformation sequence 1. Last evaluated: 2025-09-28. Review status: criteria provided, single submitter. Criteria: Invitae Variant Classification Sherloc (09022015). Collection method: clinical testing. Allele origin: germline.
Comment: This sequence change replaces glutamic acid, which is acidic and polar, with lysine, which is basic and polar, at codon 95 of the DOK7 protein (p.Glu95Lys). This variant is present in population databases (no rsID available, gnomAD 0.0009%). This variant has not been reported in the literature in individuals affected with DOK7-related conditions. Invitae Evidence Modeling of protein sequence and biophysical properties (such as structural, functional, and spatial information, amino acid conservation, physicochemical variation, residue mobility, and thermodynamic stability) indicates that this missense variant is expected to disrupt DOK7 protein function with a positive predictive value of 80%. In summary, the available evidence is currently insufficient to determine the role of this variant in disease. Therefore, it has been classified as a Variant of Uncertain Significance.

NM_173660.5(DOK7):c.283G>A (p.Glu95Lys)

Gene: DOK7 (docking protein 7; plus strand). Cytogenetic location: 4p16.3.
Variant type: single nucleotide variant.
Coding change: c.283G>A on transcript NM_173660.5 (MANE Select); coding-DNA position 283, G replaced by A.
Protein change: p.Glu95Lys; replaces glutamic acid 95 with lysine.
Molecular consequence: missense variant. On other transcripts: intron variant (1).
Genome position (GRCh38, 1-based): chr4:3,473,588, G>A. VCF-style: chr4-3473588-G-A. GRCh37 (hg19) VCF-style: chr4-3475315-G-A.
Other names: c.283G>A, p.Glu95Lys (NM_001164673.2, NM_001301071.2); c.100+10037G>A (NM_001363811.2); short protein forms E95K.
Identifiers: ClinVar variation 4793309 (VCV004793309.1).
Genomic context (GRCh38, chr4:3,473,588, plus strand): 5'-GTCCACACGCTGGCCATTGTCTGCCTGTCCCAGGCCATCATGCTGGGCTTTGACAGCCAC[G>A]AGGCCATGTGTGCGTGGGATGCCCGGATCCGCTATGCGCTCGGCGAGGGTGAGTGACGGG-3'
Protein context (NP_775931.3, residues 85-105): QAIMLGFDSH[Glu95Lys]AMCAWDARIR